The following is an entry in ClinVar:

ClinVar aggregate classification (germline): Uncertain significance. Review status: criteria provided, multiple submitters, no conflicts (2 of 4 stars). 3 submissions from 3 submitters: Uncertain significance (3). Last evaluated 2023-08-04.

Conditions:
Inborn genetic diseases. Identifiers: MedGen C0950123, MeSH D030342.
COG1 congenital disorder of glycosylation (CDG2G). Also called: CONGENITAL DISORDER OF GLYCOSYLATION, TYPE IIg; CDG IIg; CDGII/COG1 CEREBROCOSTOMANDIBULAR-LIKE SYNDROME. Identifiers: Orphanet 263508, MedGen C2931011, MONDO:0012637, OMIM 611209.

Allele frequency attached by ClinVar (database versions not stated): ExAC 0.00005; gnomAD 0.00006 and 0.00007; gnomAD exomes 0.00006 and 0.00007; TOPMed 0.00011; ESP Exome Variant Server 0.00023.
gnomAD v4.1: 104 of 1,613,978 alleles (0.0064%); highest among the groups gnomAD compares: Non-Finnish European, 0.0085%; no homozygotes.

Submissions (3):

Ambry Genetics
Classification: Uncertain significance for Inborn genetic diseases. Last evaluated: 2023-08-04. Review status: criteria provided, single submitter. Criteria: Ambry Variant Classification Scheme 2023. Collection method: clinical testing. Allele origin: germline.

Labcorp Genetics (formerly Invitae), Labcorp
Classification: Uncertain significance for COG1 congenital disorder of glycosylation. Last evaluated: 2023-07-07. Review status: criteria provided, single submitter. Criteria: Invitae Variant Classification Sherloc (09022015). Collection method: clinical testing. Allele origin: germline.
Comment: This sequence change replaces isoleucine, which is neutral and non-polar, with serine, which is neutral and polar, at codon 661 of the COG1 protein (p.Ile661Ser). This variant is present in population databases (rs139676777, gnomAD 0.01%). This variant has not been reported in the literature in individuals affected with COG1-related conditions. ClinVar contains an entry for this variant (Variation ID: 1033906). Advanced modeling of protein sequence and biophysical properties (such as structural, functional, and spatial information, amino acid conservation, physicochemical variation, residue mobility, and thermodynamic stability) performed at Invitae indicates that this missense variant is not expected to disrupt COG1 protein function. In summary, the available evidence is currently insufficient to determine the role of this variant in disease. Therefore, it has been classified as a Variant of Uncertain Significance.

Baylor Genetics
Classification: Uncertain significance for COG1 congenital disorder of glycosylation. Last evaluated: 2018-06-15. Review status: criteria provided, single submitter. Criteria: ACMG Guidelines, 2015. Collection method: clinical testing. Allele origin: paternal. Affected: yes.
Comment: This variant was determined to be of uncertain significance according to ACMG Guidelines, 2015 [PMID:25741868].

NM_018714.3(COG1):c.1982T>G (p.Ile661Ser)

Gene: COG1 (component of oligomeric golgi complex 1; plus strand). Cytogenetic location: 17q25.1.
Variant type: single nucleotide variant.
Coding change: c.1982T>G on transcript NM_018714.3 (MANE Select); coding-DNA position 1982, T replaced by G.
Protein change: p.Ile661Ser; replaces isoleucine 661 with serine.
Molecular consequence: missense variant.
Genome position (GRCh38, 1-based): chr17:73,201,809, T>G. VCF-style: chr17-73201809-T-G. GRCh37 (hg19) VCF-style: chr17-71197948-T-G.
Other names: short protein forms I661S.
Identifiers: ClinVar variation 1033906 (VCV001033906.7), dbSNP rs139676777, ClinGen allele CA8740325.